The following is an entry in ClinVar:

NM_000088.4(COL1A1):c.2253del (p.Gly752fs)

Gene: COL1A1 (collagen type I alpha 1 chain; minus strand). Cytogenetic location: 17q21.33.
Variant type: Deletion.
Coding change: c.2253del on transcript NM_000088.4 (MANE Select); coding-DNA position 2253, one base deleted (A; older notation c.2253delA).
Protein change: p.Gly752fs; shifts the reading frame from glycine 752.
Molecular consequence: frameshift variant.
Genome position (GRCh38, 1-based): chr17:50,190,907, T deleted on the plus strand (A on the coding strand, the reverse complement: COL1A1 is on the minus strand); the first of 3 consecutive T bases (chr17:50,190,907-50,190,909); deleting any one gives the same sequence. VCF-style (leftmost placement, unchanged base first): chr17-50190906-CT-C. GRCh37 (hg19) VCF-style: chr17-48268267-CT-C.
Other names: c.2253delA (NM_000088.3); short protein forms G752fs.
Identifiers: ClinVar variation 652564 (VCV000652564.11), dbSNP rs1598291438, ClinGen allele CA915950607.

ClinVar aggregate classification (germline): Pathogenic (1 of 4 stars; one submission).

Conditions:
Osteogenesis imperfecta type I (OI1). Also called: Lobstein disease; Classic Non-deforming Osteogenesis Imperfecta with Blue Sclerae; Lobstein's Disease; OI, TYPE I; OSTEOGENESIS IMPERFECTA TARDA; OSTEOGENESIS IMPERFECTA WITH BLUE SCLERAE. Identifiers: Orphanet 216796, Orphanet 666, MedGen C0023931, MONDO:0008146, OMIM 166200. Disease mechanism: loss of function.

Submission:

Labcorp Genetics (formerly Invitae), Labcorp
Classification: Pathogenic for Osteogenesis imperfecta type I. Last evaluated: 2022-12-30. Review status: criteria provided, single submitter. Criteria: Invitae Variant Classification Sherloc (09022015). Collection method: clinical testing. Allele origin: germline.
Comment: For these reasons, this variant has been classified as Pathogenic. ClinVar contains an entry for this variant (Variation ID: 652564). This premature translational stop signal has been observed in individual(s) with osteogenesis imperfecta (PMID: 28725987; Invitae). This variant is not present in population databases (gnomAD no frequency). This sequence change creates a premature translational stop signal (p.Gly752Valfs*14) in the COL1A1 gene. It is expected to result in an absent or disrupted protein product. Loss-of-function variants in COL1A1 are known to be pathogenic (PMID: 7942841, 9295084, 9443882).

Literature cited by the submitters: PubMed 28725987; PubMed 7942841; PubMed 9295084; PubMed 9443882.